The following is an entry in ClinVar:

NM_000138.5(FBN1):c.4014A>G (p.Val1338=)

Gene: FBN1 (fibrillin 1; minus strand). Cytogenetic location: 15q21.1.
Variant type: single nucleotide variant.
Coding change: c.4014A>G on transcript NM_000138.5 (MANE Select); coding-DNA position 4014, A replaced by G.
Protein change: p.Val1338=; no amino-acid change (valine 1338 retained).
Molecular consequence: synonymous variant.
Genome position (GRCh38, 1-based): chr15:48,474,601, T>C on the plus strand (A>G on the coding strand, the complement: FBN1 is on the minus strand). VCF-style: chr15-48474601-T-C. GRCh37 (hg19) VCF-style: chr15-48766798-T-C.
Identifiers: ClinVar variation 510828 (VCV000510828.7), dbSNP rs763716418, ClinGen allele CA051889.

ClinVar aggregate classification (germline): Likely benign. Review status: criteria provided, multiple submitters, no conflicts (2 of 4 stars). 5 submissions from 5 submitters: Likely benign (5). Last evaluated 2025-07-14.

Conditions:
Familial thoracic aortic aneurysm and aortic dissection (TAAD). Also called: Thoracic aortic aneurysms and dissections. Identifiers: Orphanet 91387, MedGen C4707243, MONDO:0019625.
Marfan syndrome (MFS). Also called: Marfan syndrome type 1; Marfan syndrome, classic; Marfan's syndrome; FBN1-Related Marfan Syndrome; MARFAN SYNDROME, TYPE I. Identifiers: Orphanet 284963, Orphanet 558, MedGen C0024796, MONDO:0007947, OMIM 154700.

Allele frequency attached by ClinVar (database versions not stated): ExAC 0.00002; gnomAD exomes 0.00001 and below 0.00001.
gnomAD v4.1: 4 of 1,614,208 alleles (0.00025%); highest among the groups gnomAD compares: Non-Finnish European, 0.00034%; no homozygotes.

Submissions (5):

Labcorp Genetics (formerly Invitae), Labcorp
Classification: Likely benign for Marfan syndrome; Familial thoracic aortic aneurysm and aortic dissection. Last evaluated: 2025-07-14. Review status: criteria provided, single submitter. Criteria: Invitae Variant Classification Sherloc (09022015). Collection method: clinical testing. Allele origin: germline.

Ambry Genetics
Classification: Likely benign for Familial thoracic aortic aneurysm and aortic dissection. Last evaluated: 2024-11-13. Review status: criteria provided, single submitter. Criteria: Ambry Variant Classification Scheme 2023. Collection method: clinical testing. Allele origin: germline.

All of Us Research Program, National Institutes of Health
Classification: Likely benign for Marfan syndrome. Last evaluated: 2023-08-25. Review status: criteria provided, single submitter. Criteria: ACMG Guidelines, 2015. Collection method: clinical testing. Allele origin: germline. Inheritance: Autosomal dominant inheritance. Observed: 1 variant allele, 1 heterozygote.
Comment: This study involves interpretation of variants in research participants for the purpose of population health screening. Participant phenotype was not available at the time of variant classification. Additional details can be found in publication PMID: 35346344, PMCID: PMC8962531

Color Diagnostics, LLC DBA Color Health
Classification: Likely benign for Familial thoracic aortic aneurysm and aortic dissection. Last evaluated: 2019-06-26. Review status: criteria provided, single submitter. Criteria: ACMG Guidelines, 2015. Collection method: clinical testing. Allele origin: germline.

GeneDx
Classification: Likely benign. Last evaluated: 2017-07-14. Review status: criteria provided, single submitter. Criteria: GeneDx Variant Classification (06012015). Collection method: clinical testing. Allele origin: germline. Affected: yes.
Comment: This variant is considered likely benign or benign based on one or more of the following criteria: it is a conservative change, it occurs at a poorly conserved position in the protein, it is predicted to be benign by multiple in silico algorithms, and/or has population frequency not consistent with disease.